The following is an entry in ClinVar:

NC_012920.1(MT-ND4):m.12017A>G

Gene: MT-ND4 (mitochondrially encoded NADH dehydrogenase 4; plus strand).
Variant type: single nucleotide variant.
Genome position: chrM-12017-A-G.
Identifiers: ClinVar variation 693399 (VCV000693399.1), dbSNP rs879136236, ClinGen allele CA337099371.

ClinVar aggregate classification (germline): Likely benign (1 of 4 stars; one submission).

Conditions:
Leigh syndrome (NULS). Also called: Leigh's necrotizing encephalopathy; Leigh's disease; Leigh Syndrome (mtDNA deletion); Leigh Disease; Subacute necrotizing encephalopathy; Necrotizing encephalopathy infantile subacute of Leigh. Identifiers: Orphanet 506, MedGen C2931891, MONDO:0009723, OMIM 256000.

Submission:

Wong Mito Lab, Molecular and Human Genetics, Baylor College of Medicine
Classification: Likely benign for Leigh syndrome. Last evaluated: 2019-10-17. Review status: criteria provided, single submitter. Criteria: Modified ACMG Guidelines (Unpublished). Collection method: clinical testing. Allele origin: germline.
Comment: The NC_012920.1:m.12017A>G (YP_003024035.1:p.Thr420Ala) variant in MTND4 gene is interpretated to be a Likely Benign variant based on the modified ACMG guidelines (unpublished). This variant meets the following evidence codes: BS4, BP4